The following is an entry in ClinVar:

ClinVar aggregate classification (germline): Uncertain significance (1 of 4 stars; one submission).

gnomAD v4.1: 1 of 1,610,558 alleles (0.000062%); no homozygotes.

Submission:

Labcorp Genetics (formerly Invitae), Labcorp
Classification: Uncertain significance. Last evaluated: 2022-10-25. Review status: criteria provided, single submitter. Criteria: Invitae Variant Classification Sherloc (09022015). Collection method: clinical testing. Allele origin: germline.
Comment: This sequence change replaces aspartic acid, which is acidic and polar, with valine, which is neutral and non-polar, at codon 974 of the ABCC6 protein (p.Asp974Val). This variant is not present in population databases (gnomAD no frequency). This variant has not been reported in the literature in individuals affected with ABCC6-related conditions. ClinVar contains an entry for this variant (Variation ID: 1519671). Algorithms developed to predict the effect of missense changes on protein structure and function (SIFT, PolyPhen-2, Align-GVGD) all suggest that this variant is likely to be disruptive. In summary, the available evidence is currently insufficient to determine the role of this variant in disease. Therefore, it has been classified as a Variant of Uncertain Significance.

NM_001171.6(ABCC6):c.2921A>T (p.Asp974Val)

Gene: ABCC6 (ATP binding cassette subfamily C member 6; minus strand). Cytogenetic location: 16p13.11.
Variant type: single nucleotide variant.
Coding change: c.2921A>T on transcript NM_001171.6 (MANE Select); coding-DNA position 2921, A replaced by T.
Protein change: p.Asp974Val; replaces aspartic acid 974 with valine.
Molecular consequence: missense variant. On other transcripts: non-coding transcript variant (1).
Genome position (GRCh38, 1-based): chr16:16,169,720, T>A on the plus strand (A>T on the coding strand, the complement: ABCC6 is on the minus strand). VCF-style: chr16-16169720-T-A. GRCh37 (hg19) VCF-style: chr16-16263577-T-A.
Other names: c.2579A>T, p.Asp860Val (NM_001351800.1); short protein forms D974V, D860V.
Identifiers: ClinVar variation 1519671 (VCV001519671.8), dbSNP rs147391297, ClinGen allele CA394884501.